The following is an entry in ClinVar:

NM_170675.5(MEIS2):c.880T>C (p.Trp294Arg)

Gene: MEIS2 (Meis homeobox 2; minus strand). Cytogenetic location: 15q14.
Variant type: single nucleotide variant.
Coding change: c.880T>C on transcript NM_170675.5 (MANE Select); coding-DNA position 880, T replaced by C.
Protein change: p.Trp294Arg; replaces tryptophan 294 with arginine.
Molecular consequence: missense variant. On other transcripts: non-coding transcript variant (1).
Genome position (GRCh38, 1-based): chr15:37,036,834, A>G on the plus strand (T>C on the coding strand, the complement: MEIS2 is on the minus strand). VCF-style: chr15-37036834-A-G. GRCh37 (hg19) VCF-style: chr15-37329035-A-G.
Other names: c.880T>C, p.Trp294Arg (NM_001220482.2, NM_170674.5, NM_170676.5 and 1 more transcripts); c.841T>C, p.Trp281Arg (NM_002399.4, NM_172315.3); c.616T>C, p.Trp206Arg (NM_172316.3); short protein forms W206R, W281R, W294R.
Identifiers: ClinVar variation 4530596 (VCV004530596.1).

ClinVar aggregate classification (germline): Uncertain significance (1 of 4 stars; one submission).

Conditions:
Cardiac malformation, cleft lip/palate, microcephaly, and digital anomalies. Also called: CLEFT PALATE, CARDIAC DEFECTS, AND IMPAIRED INTELLECTUAL DEVELOPMENT. Identifiers: MedGen C1832950, MONDO:0010970, OMIM 600987.

Submission:

Institute of Human Genetics, University of Leipzig Medical Center
Classification: Uncertain significance for Cardiac malformation, cleft lip/palate, microcephaly, and digital anomalies. Last evaluated: 2025-10-20. Review status: criteria provided, single submitter. Criteria: ACMG Guidelines, 2015. Collection method: clinical testing. Allele origin: unknown. Inheritance: Autosomal dominant inheritance. Affected: yes.
Comment: Criteria applied: PM2,PP2,PP3